The following is an entry in ClinVar:

NM_001276345.2(TNNT2):c.719+3G>T

Gene: TNNT2 (troponin T2, cardiac type; minus strand). Cytogenetic location: 1q32.1.
Variant type: single nucleotide variant.
Coding change: c.719+3G>T on transcript NM_001276345.2 (MANE Select); 3 bases into the intron after coding-DNA position 719, G replaced by T.
Molecular consequence: intron variant.
Genome position (GRCh38, 1-based): chr1:201,361,910, C>A on the plus strand (G>T on the coding strand, the complement: TNNT2 is on the minus strand). VCF-style: chr1-201361910-C-A. GRCh37 (hg19) VCF-style: chr1-201331038-C-A.
Other names: c.671+3G>T (NM_001001432.3); c.680+3G>T (NM_001001431.3); c.689+3G>T (NM_001001430.3, NM_001276347.2); c.590+3G>T (NM_001276346.2); c.710+3G>T (NM_000364.4).
Identifiers: ClinVar variation 925704 (VCV000925704.4), dbSNP rs111451787, ClinGen allele CA1139655539.

ClinVar aggregate classification (germline): Uncertain significance. Review status: criteria provided, multiple submitters, no conflicts (2 of 4 stars). 2 submissions from 2 submitters: Uncertain significance (2). Last evaluated 2024-04-25.

Conditions:
Cardiomyopathy (CMYO). Also called: Cardiomyopathies. Identifiers: Orphanet 167848, MedGen C0878544, MONDO:0004994, HP:0001638. Inheritance: Various modes of inheritance.
Cardiovascular phenotype. Identifiers: MedGen CN230736.

gnomAD v4.1: 1 of 1,613,782 alleles (0.000062%); highest among the groups gnomAD compares: East Asian, 0.0022%; no homozygotes.

Submissions (2):

Ambry Genetics
Classification: Uncertain significance for Cardiovascular phenotype. Last evaluated: 2024-04-25. Review status: criteria provided, single submitter. Criteria: Ambry Variant Classification Scheme 2023. Collection method: clinical testing. Allele origin: germline.
Comment: The c.689+3G>T intronic variant results from a G to T substitution 3 nucleotides after coding exon 12 in the TNNT2 gene. This nucleotide position is not well conserved in available vertebrate species. In silico splice site analysis for this alteration is inconclusive. Based on the available evidence, the clinical significance of this variant remains unclear.

Color Diagnostics, LLC DBA Color Health
Classification: Uncertain significance for Cardiomyopathy. Last evaluated: 2019-10-07. Review status: criteria provided, single submitter. Criteria: ACMG Guidelines, 2015. Collection method: clinical testing. Allele origin: germline.
Comment: This variant causes a G>T nucleotide substitution at the +3 position of intron 13 of the TNNT2 gene. Splice site prediction tools are inconclusive regarding the impact of this variant on RNA splicing. To our knowledge, functional studies have not been performed for this variant. This variant has not been reported in individuals affected with cardiovascular disorders in the literature. This variant has not been identified in the general population by the Genome Aggregation Database (gnomAD). The available evidence is insufficient to determine the role of this variant in disease conclusively. Therefore, this variant is classified as a Variant of Uncertain Significance.